The following is an entry in ClinVar:

NM_001323075.3(CXorf49C):c.1068T>C (p.Ala356=)

Genes: CXorf49C (chromosome X open reading frame 49C; plus strand), LOC126863278 (CDK7 strongly-dependent group 2 enhancer GRCh37_chrX:70888661-70889860; plus strand). Cytogenetic location: Xq13.1.
Variant type: single nucleotide variant.
Coding change: c.1068T>C on transcript NM_001323075.3 (MANE Select); coding-DNA position 1068, T replaced by C.
Protein change: p.Ala356=; no amino-acid change (alanine 356 retained).
Molecular consequence: synonymous variant.
Genome position (GRCh38, 1-based): chrX:71,668,871, T>C. VCF-style: chrX-71668871-T-C. GRCh37 (hg19) VCF-style: chrX-70888721-T-C.
Identifiers: ClinVar variation 2660894 (VCV002660894.24), dbSNP rs759276584, ClinGen allele CA331125039.
Genomic context (GRCh38, chrX:71,668,871, plus strand): 5'-CCTGCGGGGAGCCTTTCCTGCCTGGGGGCAGAGACTTTCAGCAGTTCCACCTGATCCGGC[T>C]AGCTTCCCGCCAGTGTCTGGCGTGGGGCTCCTGGGGAAGTCCGTGAGACCCAAGGAGCCC-3'
Protein context (NP_001310004.1, residues 346-366): QRLSAVPPDP[Ala356=]SFPPVSGVGL

ClinVar aggregate classification (germline): Likely benign (1 of 4 stars; one submission).

Allele frequency attached by ClinVar (database versions not stated): TOPMed 0.00073; 1000 Genomes Project 0.00079; gnomAD exomes 0.00080; 1000 Genomes Project 30x 0.00083; gnomAD 0.00091.
gnomAD v4.1: 907 of 1,102,580 alleles (0.082%); highest among the groups gnomAD compares: East Asian, 0.43%; 2 homozygotes.

Submission:

CeGaT Center for Human Genetics Tuebingen
Classification: Likely benign. Last evaluated: 2023-03-01. Review status: criteria provided, single submitter. Criteria: CeGaT Center For Human Genetics Tuebingen Variant Classification Criteria Version 2. Collection method: clinical testing. Allele origin: germline. Affected: yes. Observed: 3 variant alleles.
Comment: LOC101059915: BP4, BP7, BS2